The following is an entry in ClinVar:

NM_022437.3(ABCG8):c.924C>T (p.Gly308=)

Gene: ABCG8 (ATP binding cassette subfamily G member 8; plus strand). Cytogenetic location: 2p21.
Variant type: single nucleotide variant.
Coding change: c.924C>T on transcript NM_022437.3 (MANE Select); coding-DNA position 924, C replaced by T.
Protein change: p.Gly308=; no amino-acid change (glycine 308 retained).
Molecular consequence: synonymous variant.
Genome position (GRCh38, 1-based): chr2:43,852,828, C>T. VCF-style: chr2-43852828-C-T. GRCh37 (hg19) VCF-style: chr2-44079967-C-T.
Other names: c.924C>T, p.Gly308= (NM_001357321.2).
Identifiers: ClinVar variation 3354767 (VCV003354767.2).

ClinVar aggregate classification (germline): Likely benign. Review status: criteria provided, single submitter (1 of 4 stars). 2 submissions from 2 submitters: Likely benign (1). 1 of the submissions does not count toward it. Last evaluated 2024-10-08.

Conditions:
ABCG8-related disorder. Also called: ABCG8-related condition.
Cardiovascular phenotype. Identifiers: MedGen CN230736.

gnomAD v4.1: 2 of 1,614,166 alleles (0.00012%); highest among the groups gnomAD compares: East Asian, 0.0022%; no homozygotes.

Submissions (2):

Ambry Genetics
Classification: Likely benign for Cardiovascular phenotype. Last evaluated: 2024-10-08. Review status: criteria provided, single submitter. Criteria: Ambry Variant Classification Scheme 2023. Collection method: clinical testing. Allele origin: germline.

PreventionGenetics, part of Exact Sciences
Classification: Likely benign for ABCG8-related condition. Last evaluated: 2019-09-17. Review status: no assertion criteria provided. Collection method: clinical testing. Allele origin: germline. Not counted in ClinVar's aggregate classification.
Comment: This variant is classified as likely benign based on ACMG/AMP sequence variant interpretation guidelines (Richards et al. 2015 PMID: 25741868, with internal and published modifications).